The following is an entry in ClinVar:

ClinVar aggregate classification (germline): Uncertain significance. Review status: criteria provided, multiple submitters, no conflicts (2 of 4 stars). 2 submissions from 2 submitters: Uncertain significance (2). Last evaluated 2023-06-16.

Conditions:
Neuropathy, hereditary sensory and autonomic, type 1C. Also called: HSAN IC; HSN IC. Identifiers: Orphanet 36386, MedGen C3150896, MONDO:0013337, OMIM 613640.

gnomAD v4.1: 1 of 1,613,336 alleles (0.000062%); highest among the groups gnomAD compares: East Asian, 0.0022%; no homozygotes.

Submissions (2):

Labcorp Genetics (formerly Invitae), Labcorp
Classification: Uncertain significance for Neuropathy, hereditary sensory and autonomic, type 1C. Last evaluated: 2023-06-16. Review status: criteria provided, single submitter. Criteria: Invitae Variant Classification Sherloc (09022015). Collection method: clinical testing. Allele origin: germline.
Comment: In summary, the available evidence is currently insufficient to determine the role of this variant in disease. Therefore, it has been classified as a Variant of Uncertain Significance. Advanced modeling of protein sequence and biophysical properties (such as structural, functional, and spatial information, amino acid conservation, physicochemical variation, residue mobility, and thermodynamic stability) performed at Invitae indicates that this missense variant is not expected to disrupt SPTLC2 protein function. ClinVar contains an entry for this variant (Variation ID: 807154). This variant has not been reported in the literature in individuals affected with SPTLC2-related conditions. This variant is present in population databases (rs753752297, gnomAD 0.0009%). This sequence change replaces valine, which is neutral and non-polar, with isoleucine, which is neutral and non-polar, at codon 250 of the SPTLC2 protein (p.Val250Ile).

CeGaT Center for Human Genetics Tuebingen
Classification: Uncertain significance. Last evaluated: 2022-09-01. Review status: criteria provided, single submitter. Criteria: CeGaT Center For Human Genetics Tuebingen Variant Classification Criteria Version 2. Collection method: clinical testing. Allele origin: germline. Affected: yes. Observed: 1 variant allele.

NM_004863.4(SPTLC2):c.748G>A (p.Val250Ile)

Gene: SPTLC2 (serine palmitoyltransferase long chain base subunit 2; minus strand). Cytogenetic location: 14q24.3.
Variant type: single nucleotide variant.
Coding change: c.748G>A on transcript NM_004863.4 (MANE Select); coding-DNA position 748, G replaced by A.
Protein change: p.Val250Ile; replaces valine 250 with isoleucine.
Molecular consequence: missense variant.
Genome position (GRCh38, 1-based): chr14:77,570,392, C>T on the plus strand (G>A on the coding strand, the complement: SPTLC2 is on the minus strand). VCF-style: chr14-77570392-C-T. GRCh37 (hg19) VCF-style: chr14-78036735-C-T.
Other names: short protein forms V250I.
Identifiers: ClinVar variation 807154 (VCV000807154.45), dbSNP rs753752297, ClinGen allele CA7289387.